The following is an entry in ClinVar:

NM_022436.3(ABCG5):c.1311C>G (p.Asn437Lys)

Genes: ABCG5 (ATP binding cassette subfamily G member 5; minus strand), DYNC2LI1 (dynein cytoplasmic 2 light intermediate chain 1; plus strand). Cytogenetic location: 2p21.
Variant type: single nucleotide variant.
Coding change: c.1311C>G on transcript NM_022436.3 (MANE Select); coding-DNA position 1311, C replaced by G.
Protein change: p.Asn437Lys; replaces asparagine 437 with lysine.
Molecular consequence: missense variant. On other transcripts: intron variant (2).
Genome position (GRCh38, 1-based): chr2:43,823,926, G>C on the plus strand (C>G on the coding strand, the complement: ABCG5 is on the minus strand). VCF-style: chr2-43823926-G-C. GRCh37 (hg19) VCF-style: chr2-44051065-G-C.
Other names: c.*16-3460G>C (NM_001348913.2, NM_001348912.2); short protein forms N437K.
Identifiers: ClinVar variation 2203054 (VCV002203054.5), dbSNP rs575266356, ClinGen allele CA1636342.

ClinVar aggregate classification (germline): Pathogenic. Review status: criteria provided, multiple submitters, no conflicts (2 of 4 stars). 2 submissions from 2 submitters: Pathogenic (2). Last evaluated 2025-05-16.

Conditions:
Sitosterolemia 2. Identifiers: MedGen C5231453, MONDO:0020748, OMIM 618666.
Sitosterolemia (STSL). Also called: PHYTOSTEROLEMIA. Identifiers: Orphanet 2882, MedGen C0342907, MONDO:0008863.

gnomAD v4.1: 3 of 1,614,026 alleles (0.00019%); highest among the groups gnomAD compares: East Asian, 0.0067%; no homozygotes.

Submissions (2):

Labcorp Genetics (formerly Invitae), Labcorp
Classification: Pathogenic for Sitosterolemia. Last evaluated: 2025-05-16. Review status: criteria provided, single submitter. Criteria: Invitae Variant Classification Sherloc (09022015). Collection method: clinical testing. Allele origin: germline.
Comment: This sequence change replaces asparagine, which is neutral and polar, with lysine, which is basic and polar, at codon 437 of the ABCG5 protein (p.Asn437Lys). This variant is present in population databases (rs575266356, gnomAD 0.02%). This missense change has been observed in individual(s) with sitosterolemia (PMID: 11668628, 20521169, 29886606, 34969652). In at least one individual the data is consistent with being in trans (on the opposite chromosome) from a pathogenic variant. ClinVar contains an entry for this variant (Variation ID: 2203054). An algorithm developed to predict the effect of missense changes on protein structure and function (PolyPhen-2) suggests that this variant is likely to be disruptive. Studies have shown that this missense change alters ABCG5 gene expression (PMID: 15054092). For these reasons, this variant has been classified as Pathogenic.

Juno Genomics, Hangzhou Juno Genomics, Inc
Classification: Pathogenic for Sitosterolemia 2. Review status: criteria provided, single submitter. Criteria: ACMG Guidelines, 2015. Collection method: clinical testing. Allele origin: germline.
Comment: Absent from controls (or at extremely low frequency if recessive) in Genome Aggregation Database.;For recessive disorders, detected in trans with a pathogenic variant.;Patient's phenotype or family history is highly specific for a disease with a single genetic etiology.

Literature cited by the submitters: PubMed 11668628 (cited by Labcorp Genetics (formerly Invitae), Labcorp); PubMed 20521169 (cited by Labcorp Genetics (formerly Invitae), Labcorp); PubMed 29886606 (cited by Labcorp Genetics (formerly Invitae), Labcorp); PubMed 34969652 (cited by Labcorp Genetics (formerly Invitae), Labcorp); PubMed 15054092 (cited by Labcorp Genetics (formerly Invitae), Labcorp).